The following is an entry in ClinVar:

NM_005529.7(HSPG2):c.3107A>T (p.Asn1036Ile)

Gene: HSPG2 (heparan sulfate proteoglycan 2; minus strand). Cytogenetic location: 1p36.12.
Variant type: single nucleotide variant.
Coding change: c.3107A>T on transcript NM_005529.7 (MANE Select); coding-DNA position 3107, A replaced by T.
Protein change: p.Asn1036Ile; replaces asparagine 1036 with isoleucine.
Molecular consequence: missense variant.
Genome position (GRCh38, 1-based): chr1:21,875,939, T>A on the plus strand (A>T on the coding strand, the complement: HSPG2 is on the minus strand). VCF-style: chr1-21875939-T-A. GRCh37 (hg19) VCF-style: chr1-22202432-T-A.
Other names: c.3110A>T, p.Asn1037Ile (NM_001291860.2); short protein forms N1037I, N1036I.
Identifiers: ClinVar variation 4706374 (VCV004706374.1).

ClinVar aggregate classification (germline): Uncertain significance (1 of 4 stars; one submission).

gnomAD v4.1: 7 of 1,614,140 alleles (0.00043%); highest among the groups gnomAD compares: Middle Eastern, 0.016%; no homozygotes.

Submission:

Labcorp Genetics (formerly Invitae), Labcorp
Classification: Uncertain significance. Last evaluated: 2026-01-01. Review status: criteria provided, single submitter. Criteria: Invitae Variant Classification Sherloc (09022015). Collection method: clinical testing. Allele origin: germline.
Comment: This sequence change replaces asparagine, which is neutral and polar, with isoleucine, which is neutral and non-polar, at codon 1036 of the HSPG2 protein (p.Asn1036Ile). This variant is present in population databases (rs778050923, gnomAD 0.002%). This variant has not been reported in the literature in individuals affected with HSPG2-related conditions. An algorithm developed to predict the effect of missense changes on protein structure and function (PolyPhen-2) suggests that this variant is likely to be disruptive. In summary, the available evidence is currently insufficient to determine the role of this variant in disease. Therefore, it has been classified as a Variant of Uncertain Significance.